The following is an entry in ClinVar:

NM_000051.4(ATM):c.6180C>T (p.Arg2060=)

Genes: ATM (ATM serine/threonine kinase; plus strand), C11orf65 (chromosome 11 open reading frame 65; minus strand). Cytogenetic location: 11q22.3.
Variant type: single nucleotide variant.
Coding change: c.6180C>T on transcript NM_000051.4 (MANE Select); coding-DNA position 6180, C replaced by T.
Protein change: p.Arg2060=; no amino-acid change (arginine 2060 retained).
Molecular consequence: synonymous variant. On other transcripts: intron variant (2).
Genome position (GRCh38, 1-based): chr11:108,316,095, C>T. VCF-style: chr11-108316095-C-T. GRCh37 (hg19) VCF-style: chr11-108186822-C-T.
Other names: c.6180C>T, p.Arg2060= (NM_001351834.2); c.641-7024G>A (NM_001330368.2); c.*39-7024G>A (NM_001351110.2).
Identifiers: ClinVar variation 1449454 (VCV001449454.9), dbSNP rs2136131720, ClinGen allele CA476675776.

ClinVar aggregate classification (germline): Benign/Likely benign. Review status: criteria provided, multiple submitters, no conflicts (2 of 4 stars). 2 submissions from 2 submitters: Benign (1); Likely benign (1). Last evaluated 2024-06-03.

Conditions:
Familial cancer of breast. Also called: BREAST CANCER, FAMILIAL; Hereditary breast cancer; hereditary breast carcinoma. Identifiers: Orphanet 227535, MedGen C0346153, MONDO:0016419, OMIM 114480. Disease mechanism: loss of function.
Ataxia-telangiectasia syndrome (AT). Also called: Ataxia-telangiectasia; LOUIS-BAR SYNDROME; Ataxia-telangiectasia, complementation group D; AT, COMPLEMENTATION GROUP C; ATAXIA-TELANGIECTASIA, COMPLEMENTATION GROUP A; ATAXIA-TELANGIECTASIA, FRESNO VARIANT. Identifiers: Orphanet 100, MedGen C0004135, MONDO:0008840, OMIM 208900.

Submissions (2):

Myriad Genetics, Inc.
Classification: Benign for Familial cancer of breast. Last evaluated: 2024-06-03. Review status: criteria provided, single submitter. Criteria: Myriad Autosomal Dominant, Autosomal Recessive and X-Linked Classification Criteria (2023). Collection method: clinical testing. Allele origin: unknown.
Comment: This variant is considered benign. This variant is a silent/synonymous amino acid change and it is not expected to impact splicing.

Labcorp Genetics (formerly Invitae), Labcorp
Classification: Likely benign for Ataxia-telangiectasia syndrome. Last evaluated: 2023-08-24. Review status: criteria provided, single submitter. Criteria: Invitae Variant Classification Sherloc (09022015). Collection method: clinical testing. Allele origin: germline.